The following is an entry in ClinVar:

ClinVar aggregate classification (germline): Uncertain significance (1 of 4 stars; one submission).

Allele frequency attached by ClinVar (database versions not stated): gnomAD exomes 0.00001; ExAC 0.00003.
gnomAD v4.1: 1 of 1,595,306 alleles (0.000063%); highest among the groups gnomAD compares: Non-Finnish European, 0.000085%; no homozygotes.

Submission:

Labcorp Genetics (formerly Invitae), Labcorp
Classification: Uncertain significance. Last evaluated: 2021-08-05. Review status: criteria provided, single submitter. Criteria: Invitae Variant Classification Sherloc (09022015). Collection method: clinical testing. Allele origin: germline.
Comment: In summary, the available evidence is currently insufficient to determine the role of this variant in disease. Therefore, it has been classified as a Variant of Uncertain Significance. Algorithms developed to predict the effect of missense changes on protein structure and function (SIFT, PolyPhen-2, Align-GVGD) all suggest that this variant is likely to be disruptive, but these predictions have not been confirmed by published functional studies and their clinical significance is uncertain. This variant has not been reported in the literature in individuals with MPDZ-related conditions. This variant is present in population databases (rs778829710, ExAC 0.005%). This sequence change replaces alanine with glycine at codon 392 of the MPDZ protein (p.Ala392Gly). The alanine residue is highly conserved and there is a small physicochemical difference between alanine and glycine.

NM_001378778.1(MPDZ):c.1175C>G (p.Ala392Gly)

Gene: MPDZ (multiple PDZ domain crumbs cell polarity complex component; minus strand). Cytogenetic location: 9p23.
Variant type: single nucleotide variant.
Coding change: c.1175C>G on transcript NM_001378778.1 (MANE Select); coding-DNA position 1175, C replaced by G.
Protein change: p.Ala392Gly; replaces alanine 392 with glycine.
Molecular consequence: missense variant.
Genome position (GRCh38, 1-based): chr9:13,217,206, G>C on the plus strand (C>G on the coding strand, the complement: MPDZ is on the minus strand). VCF-style: chr9-13217206-G-C. GRCh37 (hg19) VCF-style: chr9-13217205-G-C.
Other names: c.1175C>G, p.Ala392Gly (NM_001261406.2, NM_001261407.2, NM_001330637.2 and 14 more transcripts); short protein forms A392G.
Identifiers: ClinVar variation 1481393 (VCV001481393.8), dbSNP rs778829710, ClinGen allele CA4987875.